The following is an entry in ClinVar:

NM_014639.4(SKIC3):c.2115-794_2121delinsCACCTCTTACACAT

Gene: SKIC3 (SKI3 subunit of superkiller complex; minus strand). Cytogenetic location: 5q15.
Variant type: Indel.
Coding change: c.2115-794_2121delinsCACCTCTTACACAT on transcript NM_014639.4 (MANE Select); 794 bases into the intron before coding-DNA position 2115 through coding-DNA position 2121, the reference bases replaced by CACCTCTTACACAT.
Molecular consequence: splice acceptor variant.
Genome position (GRCh38, 1-based): chr5:95,517,316-95,518,116, 801 bases replaced. GRCh37 (hg19): chr5:94,853,020-94,853,820.
Identifiers: ClinVar variation 2832272 (VCV002832272.3), dbSNP rs2530755942, ClinGen allele CA2739274936.

ClinVar aggregate classification (germline): Likely pathogenic (1 of 4 stars; one submission).

Submission:

Labcorp Genetics (formerly Invitae), Labcorp
Classification: Likely pathogenic. Last evaluated: 2023-10-05. Review status: criteria provided, single submitter. Criteria: Invitae Variant Classification Sherloc (09022015). Collection method: clinical testing. Allele origin: germline.
Comment: This variant results in the deletion of part of exon 21 (c.2115-794_2121delinsCACCTCTTACACAT) of the TTC37 gene. It is expected to disrupt RNA splicing. Variants that disrupt the donor or acceptor splice site typically lead to a loss of protein function (PMID: 16199547), and loss-of-function variants in TTC37 are known to be pathogenic (PMID: 20176027, 21120949). This variant is not present in population databases (gnomAD no frequency). This variant has not been reported in the literature in individuals affected with TTC37-related conditions. In summary, the currently available evidence indicates that the variant is pathogenic, but additional data are needed to prove that conclusively. Therefore, this variant has been classified as Likely Pathogenic.

Literature cited by the submitters: PubMed 16199547; PubMed 20176027; PubMed 21120949.